The following is an entry in ClinVar:

NM_016734.3(PAX5):c.615G>C (p.Glu205Asp)

Gene: PAX5 (paired box 5; minus strand). Cytogenetic location: 9p13.2.
Variant type: single nucleotide variant.
Coding change: c.615G>C on transcript NM_016734.3 (MANE Select); coding-DNA position 615, G replaced by C.
Protein change: p.Glu205Asp; replaces glutamic acid 205 with aspartic acid.
Molecular consequence: missense variant. On other transcripts: non-coding transcript variant (2).
Genome position (GRCh38, 1-based): chr9:36,966,714, C>G on the plus strand (G>C on the coding strand, the complement: PAX5 is on the minus strand). VCF-style: chr9-36966714-C-G. GRCh37 (hg19) VCF-style: chr9-36966711-C-G.
Other names: c.615G>C, p.Glu205Asp (NM_001280547.2, NM_001280548.2, NM_001280549.2 and 2 more transcripts); c.291G>C, p.Glu97Asp (NM_001280551.2, NM_001280556.2); c.486G>C, p.Glu162Asp (NM_001280553.2, NM_001280554.2); c.417G>C, p.Glu139Asp (NM_001280555.2); short protein forms E205D, E139D, E97D, E162D.
Identifiers: ClinVar variation 4131432 (VCV004131432.1).

ClinVar aggregate classification (germline): Uncertain significance (1 of 4 stars; one submission).

Conditions:
Inborn genetic diseases. Identifiers: MedGen C0950123, MeSH D030342.

gnomAD v4.1: 1 of 1,613,980 alleles (0.000062%); no homozygotes.

Submission:

Ambry Genetics
Classification: Uncertain significance for Inborn genetic diseases. Last evaluated: 2025-08-24. Review status: criteria provided, single submitter. Criteria: Ambry Variant Classification Scheme 2023. Collection method: clinical testing. Allele origin: germline.
Comment: The p.E205D variant (also known as c.615G>C), located in coding exon 6 of the PAX5 gene, results from a G to C substitution at nucleotide position 615. The glutamic acid at codon 205 is replaced by aspartic acid, an amino acid with highly similar properties. This amino acid position is conserved. In addition, the in silico prediction for this alteration is inconclusive. Based on the available evidence, the clinical significance of this variant remains unclear.